The following is an entry in ClinVar:

NM_017947.4(MOCOS):c.42del (p.Phe15fs)

Gene: MOCOS (molybdenum cofactor sulfurase; plus strand). Cytogenetic location: 18q12.2.
Variant type: Deletion.
Coding change: c.42del on transcript NM_017947.4 (MANE Select); coding-DNA position 42, one base deleted (C; older notation c.42delC).
Protein change: p.Phe15fs; shifts the reading frame from phenylalanine 15.
Molecular consequence: frameshift variant.
Genome position (GRCh38, 1-based): chr18:36,187,581, C deleted; the last of 2 consecutive C bases (chr18:36,187,580-36,187,581); deleting either gives the same sequence. VCF-style (leftmost placement, unchanged base first): chr18-36187579-AC-A. GRCh37 (hg19) VCF-style: chr18-33767542-AC-A.
Other names: short protein forms F15fs.
Identifiers: ClinVar variation 3008121 (VCV003008121.4), dbSNP rs2091346076, ClinGen allele CA2295971620.
Genomic context (GRCh38, chr18:36,187,579, plus strand): 5'-CTGGATGGACTAGCCGGGGCCATGGCCGGCGCGGCGGCGGAGTCAGGGCGGGAGCTGTGG[AC>A]CTTCGCGGGTTCCCGGGACCCGAGCGCACCGCGGCTAGCCTACGGCTACGGCCCGGGCAG-3'

ClinVar aggregate classification (germline): Conflicting classifications of pathogenicity. Review status: criteria provided, conflicting classifications (1 of 4 stars). 2 submissions from 2 submitters: Pathogenic (1); Uncertain significance (1). Last evaluated 2024-02-20.

Conditions:
Xanthinuria type II. Also called: Xanthine dehydrogenase and aldehyde oxidase combined deficiency of; XDH and AOX dual deficiency. Identifiers: Orphanet 3467, Orphanet 93602, MedGen C1863688, MONDO:0011346, OMIM 603592.

Submissions (2):

Fulgent Genetics
Classification: Uncertain significance for Xanthinuria type II. Last evaluated: 2024-02-20. Review status: criteria provided, single submitter. Criteria: ACMG Guidelines, 2015. Collection method: clinical testing. Allele origin: germline.

Labcorp Genetics (formerly Invitae), Labcorp
Classification: Pathogenic for Xanthinuria type II. Last evaluated: 2023-08-01. Review status: criteria provided, single submitter. Criteria: Invitae Variant Classification Sherloc (09022015). Collection method: clinical testing. Allele origin: germline.
Comment: This sequence change creates a premature translational stop signal (p.Phe15Serfs*12) in the MOCOS gene. It is expected to result in an absent or disrupted protein product. Loss-of-function variants in MOCOS are known to be pathogenic (PMID: 11302742, 17368066). This variant is not present in population databases (gnomAD no frequency). This variant has not been reported in the literature in individuals affected with MOCOS-related conditions. For these reasons, this variant has been classified as Pathogenic.

Literature cited by the submitters: PubMed 11302742 (cited by Labcorp Genetics (formerly Invitae), Labcorp); PubMed 17368066 (cited by Labcorp Genetics (formerly Invitae), Labcorp).